The following is an entry in ClinVar:

NM_001276270.2(MBD4):c.1617C>A (p.Tyr539Ter)

Gene: MBD4 (methyl-CpG binding domain 4, DNA glycosylase; minus strand). Cytogenetic location: 3q21.3.
Variant type: single nucleotide variant.
Coding change: c.1617C>A on transcript NM_001276270.2 (MANE Select); coding-DNA position 1617, C replaced by A.
Protein change: p.Tyr539Ter; replaces tyrosine 539 with a stop codon.
Molecular consequence: nonsense. On other transcripts: intron variant (1).
Genome position (GRCh38, 1-based): chr3:129,432,533, G>T on the plus strand (C>A on the coding strand, the complement: MBD4 is on the minus strand). VCF-style: chr3-129432533-G-T. GRCh37 (hg19) VCF-style: chr3-129151376-G-T.
Other names: c.1635C>A, p.Tyr545Ter (NM_001276271.2, NM_003925.3); c.681C>A, p.Tyr227Ter (NM_001276273.2); c.1612+23C>A (NM_001276272.2); short protein forms Y227*, Y545*, Y539*.
Identifiers: ClinVar variation 3678782 (VCV003678782.5).
Genomic context (GRCh38, chr3:129,432,533, plus strand): 5'-TGCTGAATTATGGATGGGAGTGAGCCTCACCTGCTTCCACTCATTGACACAAAAAATTCG[G>T]TAAGAGTCGTTGCCATATTTACCAATCCCATGAAGCTCAATTGGATACTTCCACTGCTTT-3'

ClinVar aggregate classification (germline): Pathogenic/Likely pathogenic. Review status: criteria provided, multiple submitters, no conflicts (2 of 4 stars). 3 submissions from 3 submitters: Pathogenic (2); Likely pathogenic (1). Last evaluated 2026-02-19.

Conditions:
Tumor predisposition syndrome 2 (TPDS2). Also called: MBD4-ASSOCIATED NEOPLASIA SYNDROME; MBD4-Related Tumor Predisposition Syndrome; MBD4-associated neoplasia syndrome (MANS). Identifiers: Orphanet 661526, MedGen C5774186, MONDO:0859267, OMIM 619975.
Inborn genetic diseases. Identifiers: MedGen C0950123, MeSH D030342.

gnomAD v4.1: 4 of 1,614,176 alleles (0.00025%); highest among the groups gnomAD compares: Admixed American, 0.0067%; no homozygotes.

Submissions (3):

Ambry Genetics
Classification: Likely pathogenic for Inborn genetic diseases. Last evaluated: 2026-02-19. Review status: criteria provided, single submitter. Criteria: Ambry Variant Classification Scheme 2023. Collection method: clinical testing. Allele origin: germline.
Comment: The p.Y539* variant (also known as c.1617C>A), located in coding exon 7 of the MBD4 gene, results from a C to A substitution at nucleotide position 1617. This changes the amino acid from a tyrosine to a stop codon within coding exon 7. This alteration occurs at the 3' terminus of MBD4 gene, is not expected to trigger nonsense-mediated mRNAdecay, and impacts the last 6% of the protein. However, premature stop codons are typically deleterious in nature and the impacted region is critical for protein function (Ambry internal data). This variant is considered to be rare based on population cohorts in the Genome Aggregation Database (gnomAD). Based on the majority of available evidence to date, this variant is likely to be pathogenic.

Labcorp Genetics (formerly Invitae), Labcorp
Classification: Pathogenic. Last evaluated: 2026-01-18. Review status: criteria provided, single submitter. Criteria: Invitae Variant Classification Sherloc (09022015). Collection method: clinical testing. Allele origin: germline.
Comment: This sequence change creates a premature translational stop signal (p.Tyr545*) in the MBD4 gene. While this is not anticipated to result in nonsense mediated decay, it is expected to disrupt the last 36 amino acid(s) of the MBD4 protein. This variant is present in population databases (no rsID available, gnomAD 0.009%). This variant has not been reported in the literature in individuals affected with MBD4-related conditions. ClinVar contains an entry for this variant (Variation ID: 3678782). Algorithms developed to predict the effect of sequence changes on RNA splicing suggest that this variant may disrupt the consensus splice site. This variant disrupts a region of the MBD4 protein in which other variant(s) (p.Leu563*) have been determined to be pathogenic (PMID: 30049810, 30714079, 32239153, 35460607; internal data). This suggests that this is a clinically significant region of the protein, and that variants that disrupt it are likely to be disease-causing. For these reasons, this variant has been classified as Pathogenic.

Myriad Genetics, Inc.
Classification: Pathogenic for Tumor predisposition syndrome 2. Last evaluated: 2025-12-17. Review status: criteria provided, single submitter. Criteria: Myriad Autosomal Dominant, Autosomal Recessive and X-Linked Classification Criteria (2023). Collection method: clinical testing. Allele origin: unknown.
Comment: This variant is considered pathogenic. This variant creates a termination codon and is predicted to result in premature protein truncation.

Literature cited by the submitters: PubMed 30049810 (cited by Labcorp Genetics (formerly Invitae), Labcorp); PubMed 30714079 (cited by Labcorp Genetics (formerly Invitae), Labcorp); PubMed 32239153 (cited by Labcorp Genetics (formerly Invitae), Labcorp); PubMed 35460607 (cited by Labcorp Genetics (formerly Invitae), Labcorp).